The following is an entry in ClinVar:

NM_000465.4(BARD1):c.121C>T (p.Leu41Phe)

Gene: BARD1 (BRCA1 associated RING domain 1; minus strand). Cytogenetic location: 2q35.
Variant type: single nucleotide variant.
Coding change: c.121C>T on transcript NM_000465.4 (MANE Select); coding-DNA position 121, C replaced by T.
Protein change: p.Leu41Phe; replaces leucine 41 with phenylalanine.
Molecular consequence: missense variant. On other transcripts: non-coding transcript variant (3).
Genome position (GRCh38, 1-based): chr2:214,809,449, G>A on the plus strand (C>T on the coding strand, the complement: BARD1 is on the minus strand). VCF-style: chr2-214809449-G-A. GRCh37 (hg19) VCF-style: chr2-215674173-G-A.
Other names: c.121C>T, p.Leu41Phe (NM_001282543.2, NM_001282545.2, NM_001282548.2 and 1 more transcripts); short protein forms L41F.
Identifiers: ClinVar variation 185657 (VCV000185657.24), dbSNP rs751665426, ClinGen allele CA192544.

ClinVar aggregate classification (germline): Uncertain significance. Review status: criteria provided, multiple submitters, no conflicts (2 of 4 stars). 6 submissions from 6 submitters: Uncertain significance (6). Last evaluated 2025-07-01.

Conditions:
Hereditary cancer-predisposing syndrome. Also called: Hereditary neoplastic syndrome; Neoplastic Syndromes, Hereditary; Tumor predisposition; Hereditary Cancer Syndrome. Identifiers: Orphanet 140162, MedGen C0027672, MeSH D009386, MONDO:0015356.
Familial cancer of breast. Also called: BREAST CANCER, FAMILIAL; Hereditary breast cancer; hereditary breast carcinoma. Identifiers: Orphanet 227535, MedGen C0346153, MONDO:0016419, OMIM 114480. Disease mechanism: loss of function.

gnomAD v4.1: 17 of 1,611,730 alleles (0.0011%); highest among the groups gnomAD compares: Non-Finnish European, 0.0014%; no homozygotes.

Submissions (6):

Labcorp Genetics (formerly Invitae), Labcorp
Classification: Uncertain significance for Familial cancer of breast. Last evaluated: 2025-07-01. Review status: criteria provided, single submitter. Criteria: Invitae Variant Classification Sherloc (09022015). Collection method: clinical testing. Allele origin: germline.
Comment: This sequence change replaces leucine, which is neutral and non-polar, with phenylalanine, which is neutral and non-polar, at codon 41 of the BARD1 protein (p.Leu41Phe). This variant is not present in population databases (gnomAD no frequency). This variant has not been reported in the literature in individuals affected with BARD1-related conditions. ClinVar contains an entry for this variant (Variation ID: 185657). An algorithm developed to predict the effect of missense changes on protein structure and function outputs the following: PolyPhen-2: "Benign". The phenylalanine amino acid residue is found in multiple mammalian species, which suggests that this missense change does not adversely affect protein function. In summary, the available evidence is currently insufficient to determine the role of this variant in disease. Therefore, it has been classified as a Variant of Uncertain Significance.

Ambry Genetics
Classification: Uncertain significance for Hereditary cancer-predisposing syndrome. Last evaluated: 2024-05-17. Review status: criteria provided, single submitter. Criteria: Ambry Variant Classification Scheme 2023. Collection method: clinical testing. Allele origin: germline.
Comment: The p.L41F variant (also known as c.121C>T), located in coding exon 1 of the BARD1 gene, results from a C to T substitution at nucleotide position 121. The leucine at codon 41 is replaced by phenylalanine, an amino acid with highly similar properties. This amino acid position is well conserved in available vertebrate species. In addition, the in silico prediction for this alteration is inconclusive. Since supporting evidence is limited at this time, the clinical significance of this alteration remains unclear.

Baylor Genetics
Classification: Uncertain significance for Familial cancer of breast. Last evaluated: 2024-02-16. Review status: criteria provided, single submitter. Criteria: ACMG Guidelines, 2015. Collection method: clinical testing. Allele origin: unknown.

Laboratorio de Genetica e Diagnostico Molecular, Hospital Israelita Albert Einstein
Classification: Uncertain significance for Familial cancer of breast. Last evaluated: 2023-12-22. Review status: criteria provided, single submitter. Criteria: ACMG Guidelines, 2015. Collection method: clinical testing. Allele origin: germline. Affected: yes.
Comment: ACMG classification criteria: PM2 moderate, BP4 supporting

Color Diagnostics, LLC DBA Color Health
Classification: Uncertain significance for Hereditary cancer-predisposing syndrome. Last evaluated: 2023-12-05. Review status: criteria provided, single submitter. Criteria: ACMG Guidelines, 2015. Collection method: clinical testing. Allele origin: germline.
Comment: This missense variant replaces leucine with phenylalanine at codon 41 of the BARD1 protein. Computational prediction suggests that this variant may not impact protein structure and function (internally defined REVEL score threshold <= 0.5, PMID: 27666373). To our knowledge, functional studies have not been reported for this variant. This variant has not been reported in individuals affected with BARD1-related disorders in the literature. This variant has not been identified in the general population by the Genome Aggregation Database (gnomAD). The available evidence is insufficient to determine the role of this variant in disease conclusively. Therefore, this variant is classified as a Variant of Uncertain Significance.

GeneDx
Classification: Uncertain significance. Last evaluated: 2020-10-28. Review status: criteria provided, single submitter. Criteria: GeneDx Variant Classification Process June 2021. Collection method: clinical testing. Allele origin: germline. Affected: yes.
Comment: Not observed in large population cohorts (Lek 2016); In silico analysis supports that this missense variant does not alter protein structure/function; Has not been previously published as pathogenic or benign to our knowledge